The following is an entry in ClinVar:

NM_005188.4(CBL):c.2155G>A (p.Ala719Thr)

Gene: CBL (Cbl proto-oncogene; plus strand). Cytogenetic location: 11q23.3.
Variant type: single nucleotide variant.
Coding change: c.2155G>A on transcript NM_005188.4 (MANE Select); coding-DNA position 2155, G replaced by A.
Protein change: p.Ala719Thr; replaces alanine 719 with threonine.
Molecular consequence: missense variant.
Genome position (GRCh38, 1-based): chr11:119,297,385, G>A. VCF-style: chr11-119297385-G-A. GRCh37 (hg19) VCF-style: chr11-119168095-G-A.
Other names: c.2155G>A (NM_005188.2); short protein forms A719T.
Identifiers: ClinVar variation 981094 (VCV000981094.7), dbSNP rs757126995, ClinGen allele CA6318704.
Genomic context (GRCh38, chr11:119,297,385, plus strand): 5'-AGTTTATAGATAACAGTTCTATTTCCAAAGATCATTATGGCACTTTCCTTCTGGTTCAGA[G>A]CATGTGATTGCGACCAGCAGATTGATAGCTGTACGTATGAAGCAATGTATAATATTCAGT-3'
Protein context (NP_005179.2, residues 709-729): RPLDTSQSSR[Ala719Thr]CDCDQQIDSC

ClinVar aggregate classification (germline): Uncertain significance. Review status: criteria provided, multiple submitters, no conflicts (2 of 4 stars). 3 submissions from 3 submitters: Uncertain significance (3). Last evaluated 2025-07-18.

Conditions:
Cardiovascular phenotype. Identifiers: MedGen CN230736.
RASopathy. Also called: Noonan spectrum disorder; rasopathies. Identifiers: Orphanet 536391, MedGen C5555857, MONDO:0021060.

Allele frequency attached by ClinVar (database versions not stated): ExAC 0.00001; gnomAD 0.00001; TOPMed 0.00001.
gnomAD v4.1: 2 of 1,610,498 alleles (0.00012%); highest among the groups gnomAD compares: Admixed American, 0.0017%; no homozygotes.

Submissions (3):

Ambry Genetics
Classification: Uncertain significance for Cardiovascular phenotype. Last evaluated: 2025-07-18. Review status: criteria provided, single submitter. Criteria: Ambry Variant Classification Scheme 2023. Collection method: clinical testing. Allele origin: germline.
Comment: The p.A719T variant (also known as c.2155G>A), located in coding exon 14 of the CBL gene, results from a G to A substitution at nucleotide position 2155. The alanine at codon 719 is replaced by threonine, an amino acid with similar properties. This amino acid position is conserved. In addition, this alteration is predicted to be tolerated by in silico analysis. Based on the available evidence, the clinical significance of this variant remains unclear.

Labcorp Genetics (formerly Invitae), Labcorp
Classification: Uncertain significance for RASopathy. Last evaluated: 2024-05-29. Review status: criteria provided, single submitter. Criteria: Invitae Variant Classification Sherloc (09022015). Collection method: clinical testing. Allele origin: germline.
Comment: This sequence change replaces alanine, which is neutral and non-polar, with threonine, which is neutral and polar, at codon 719 of the CBL protein (p.Ala719Thr). This variant is present in population databases (rs757126995, gnomAD 0.007%). This variant has not been reported in the literature in individuals affected with CBL-related conditions. ClinVar contains an entry for this variant (Variation ID: 981094). Algorithms developed to predict the effect of missense changes on protein structure and function output the following: SIFT: "Not Available"; PolyPhen-2: "Benign"; Align-GVGD: "Not Available". The threonine amino acid residue is found in multiple mammalian species, which suggests that this missense change does not adversely affect protein function. In summary, the available evidence is currently insufficient to determine the role of this variant in disease. Therefore, it has been classified as a Variant of Uncertain Significance.

Women's Health and Genetics/Laboratory Corporation of America, LabCorp
Classification: Uncertain significance. Last evaluated: 2020-09-16. Review status: criteria provided, single submitter. Criteria: LabCorp Variant Classification Summary - May 2015. Collection method: clinical testing. Allele origin: germline.
Comment: Variant summary: CBL c.2155G>A (p.Ala719Thr) results in a non-conservative amino acid change in the encoded protein sequence. Four of five in-silico tools predict a benign effect of the variant on protein function. 4/4 computational tools predict no significant impact on normal splicing. However, these predictions have yet to be confirmed by functional studies. The variant allele was found at a frequency of 8e-06 in 251258 control chromosomes. The available data on variant occurrences in the general population are insufficient to allow any conclusion about variant significance. To our knowledge, no occurrence of c.2155G>A in individuals affected with Noonan Syndrome-Like Disorder and no experimental evidence demonstrating its impact on protein function have been reported. No clinical diagnostic laboratories have submitted clinical-significance assessments for this variant to ClinVar after 2014. Based on the evidence outlined above, the variant was classified as uncertain significance.